The following is an entry in ClinVar:

ClinVar aggregate classification (germline): Uncertain significance (1 of 4 stars; one submission).

Conditions:
SHOC2-related disorder. Also called: SHOC2-related condition.

Submission:

PreventionGenetics, part of Exact Sciences
Classification: Uncertain significance for SHOC2-related condition. Last evaluated: 2025-11-24. Review status: criteria provided, single submitter. Criteria: ACMG Guidelines, 2015. Collection method: clinical testing. Allele origin: germline.
Comment: The SHOC2 c.1373A>G variant is predicted to result in the amino acid substitution p.Asn458Ser. To our knowledge, this variant has not been reported in the literature or in a large population database (gnomAD), indicating this variant is rare. At this time, the clinical significance of this variant is uncertain due to the absence of conclusive functional and genetic evidence.

NM_007373.4(SHOC2):c.1373A>G (p.Asn458Ser)

Gene: SHOC2 (SHOC2 leucine rich repeat scaffold protein; plus strand). Cytogenetic location: 10q25.2.
Variant type: single nucleotide variant.
Coding change: c.1373A>G on transcript NM_007373.4 (MANE Select); coding-DNA position 1373, A replaced by G.
Protein change: p.Asn458Ser; replaces asparagine 458 with serine.
Molecular consequence: missense variant. On other transcripts: non-coding transcript variant (1).
Genome position (GRCh38, 1-based): chr10:111,009,336, A>G. VCF-style: chr10-111009336-A-G. GRCh37 (hg19) VCF-style: chr10-112769094-A-G.
Other names: c.1235A>G, p.Asn412Ser (NM_001269039.3, NM_001441186.1); c.1373A>G, p.Asn458Ser (NM_001324336.2, NM_001324337.2, NM_001441184.1 and 2 more transcripts); c.704A>G, p.Asn235Ser (NM_001441188.1); c.290A>G, p.Asn97Ser (NM_001441189.1, NM_001441190.1, NM_001441191.1); short protein forms N412S, N235S, N458S, N97S.
Identifiers: ClinVar variation 4992184 (VCV004992184.1).